The following is an entry in ClinVar:

NM_182972.3(IRF2BP2):c.407G>C (p.Ser136Thr)

Genes: IRF2BP2 (interferon regulatory factor 2 binding protein 2; minus strand), LOC129932812 (ATAC-STARR-seq lymphoblastoid silent region 1977; plus strand). Cytogenetic location: 1q42.3.
Variant type: single nucleotide variant.
Coding change: c.407G>C on transcript NM_182972.3 (MANE Select); coding-DNA position 407, G replaced by C.
Protein change: p.Ser136Thr; replaces serine 136 with threonine.
Molecular consequence: missense variant.
Genome position (GRCh38, 1-based): chr1:234,609,088, C>G on the plus strand (G>C on the coding strand, the complement: IRF2BP2 is on the minus strand). VCF-style: chr1-234609088-C-G. GRCh37 (hg19) VCF-style: chr1-234744834-C-G.
Other names: c.407G>C, p.Ser136Thr (NM_001077397.1); short protein forms S136T.
Identifiers: ClinVar variation 4803777 (VCV004803777.1).

ClinVar aggregate classification (germline): Uncertain significance (1 of 4 stars; one submission).

Submission:

Labcorp Genetics (formerly Invitae), Labcorp
Classification: Uncertain significance. Last evaluated: 2025-11-25. Review status: criteria provided, single submitter. Criteria: Invitae Variant Classification Sherloc (09022015). Collection method: clinical testing. Allele origin: germline.
Comment: This sequence change replaces serine, which is neutral and polar, with threonine, which is neutral and polar, at codon 136 of the IRF2BP2 protein (p.Ser136Thr). This variant is not present in population databases (gnomAD no frequency). This variant has not been reported in the literature in individuals affected with IRF2BP2-related conditions. An algorithm developed to predict the effect of missense changes on protein structure and function outputs the following: PolyPhen-2: "Benign". The threonine amino acid residue is found in multiple mammalian species, which suggests that this missense change does not adversely affect protein function. In summary, the available evidence is currently insufficient to determine the role of this variant in disease. Therefore, it has been classified as a Variant of Uncertain Significance.